The following is an entry in ClinVar:

NM_005751.5(AKAP9):c.5545C>T (p.Arg1849Ter)

Gene: AKAP9 (A-kinase anchoring protein 9; plus strand). Cytogenetic location: 7q21.2.
Variant type: single nucleotide variant.
Coding change: c.5545C>T on transcript NM_005751.5 (MANE Select); coding-DNA position 5545, C replaced by T.
Protein change: p.Arg1849Ter; replaces arginine 1849 with a stop codon.
Molecular consequence: nonsense.
Genome position (GRCh38, 1-based): chr7:92,052,902, C>T. VCF-style: chr7-92052902-C-T. GRCh37 (hg19) VCF-style: chr7-91682216-C-T.
Other names: c.5545C>T, p.Arg1849Ter (NM_147185.3); short protein forms R1849*.
Identifiers: ClinVar variation 4691917 (VCV004691917.1).

ClinVar aggregate classification (germline): Uncertain significance (1 of 4 stars; one submission).

Conditions:
Long QT syndrome (LQTS). Identifiers: MedGen C0023976, MeSH D008133, MONDO:0002442. Disease mechanism: loss of function. Inheritance: Various modes of inheritance.

gnomAD v4.1: 2 of 1,613,742 alleles (0.00012%); highest among the groups gnomAD compares: Non-Finnish European, 0.00017%; no homozygotes.

Submission:

Labcorp Genetics (formerly Invitae), Labcorp
Classification: Uncertain significance for Long QT syndrome. Last evaluated: 2025-03-11. Review status: criteria provided, single submitter. Criteria: Invitae Variant Classification Sherloc (09022015). Collection method: clinical testing. Allele origin: germline.
Comment: This sequence change creates a premature translational stop signal (p.Arg1849*) in the AKAP9 gene. It is expected to result in an absent or disrupted protein product. However, the current clinical and genetic evidence is not sufficient to establish whether loss-of-function variants in AKAP9 cause disease. This variant is not present in population databases (gnomAD no frequency). This variant has not been reported in the literature in individuals affected with AKAP9-related conditions. In summary, the available evidence is currently insufficient to determine the role of this variant in disease. Therefore, it has been classified as a Variant of Uncertain Significance.